The following is an entry in ClinVar:

ClinVar aggregate classification (germline): Uncertain significance (1 of 4 stars; one submission).

Allele frequency attached by ClinVar (database versions not stated): ExAC 0.00003.

Submission:

Labcorp Genetics (formerly Invitae), Labcorp
Classification: Uncertain significance. Last evaluated: 2025-07-08. Review status: criteria provided, single submitter. Criteria: Invitae Variant Classification Sherloc (09022015). Collection method: clinical testing. Allele origin: germline.
Comment: This sequence change replaces glycine, which is neutral and non-polar, with serine, which is neutral and polar, at codon 284 of the HOXA13 protein (p.Gly284Ser). This variant is present in population databases (rs772451529, gnomAD 0.04%), and has an allele count higher than expected for a pathogenic variant. This variant has not been reported in the literature in individuals affected with HOXA13-related conditions. ClinVar contains an entry for this variant (Variation ID: 1985046). Invitae Evidence Modeling of protein sequence and biophysical properties (such as structural, functional, and spatial information, amino acid conservation, physicochemical variation, residue mobility, and thermodynamic stability) indicates that this missense variant is not expected to disrupt HOXA13 protein function with a negative predictive value of 80%. In summary, the available evidence is currently insufficient to determine the role of this variant in disease. Therefore, it has been classified as a Variant of Uncertain Significance.

NM_000522.5(HOXA13):c.850G>A (p.Gly284Ser)

Genes: HOXA13 (homeobox A13; minus strand), LOC107126288 (NUP98-HOXA13 recombination region; plus strand). Cytogenetic location: 7p15.2.
Variant type: single nucleotide variant.
Coding change: c.850G>A on transcript NM_000522.5 (MANE Select); coding-DNA position 850, G replaced by A.
Protein change: p.Gly284Ser; replaces glycine 284 with serine.
Molecular consequence: missense variant.
Genome position (GRCh38, 1-based): chr7:27,199,228, C>T on the plus strand (G>A on the coding strand, the complement: HOXA13 is on the minus strand). VCF-style: chr7-27199228-C-T. GRCh37 (hg19) VCF-style: chr7-27238847-C-T.
Other names: short protein forms G284S.
Identifiers: ClinVar variation 1985046 (VCV001985046.4), dbSNP rs772451529, ClinGen allele CA4198608.